The following is an entry in ClinVar:

NM_014284.3(NCDN):c.213A>T (p.Lys71Asn)

Gene: NCDN (neurochondrin; plus strand). Cytogenetic location: 1p34.3.
Variant type: single nucleotide variant.
Coding change: c.213A>T on transcript NM_014284.3 (MANE Select); coding-DNA position 213, A replaced by T.
Protein change: p.Lys71Asn; replaces lysine 71 with asparagine.
Molecular consequence: missense variant.
Genome position (GRCh38, 1-based): chr1:35,560,364, A>T. VCF-style: chr1-35560364-A-T. GRCh37 (hg19) VCF-style: chr1-36025965-A-T.
Other names: c.213A>T, p.Lys71Asn (NM_001014839.2); c.162A>T, p.Lys54Asn (NM_001014841.2); short protein forms K54N, K71N.
Identifiers: ClinVar variation 3344827 (VCV003344827.1).

ClinVar aggregate classification (germline): Uncertain significance (0 of 4 stars; one submission).

Conditions:
NCDN-related disorder. Also called: NCDN-related condition.

Submission:

PreventionGenetics, part of Exact Sciences
Classification: Uncertain significance for NCDN-related condition. Last evaluated: 2024-09-25. Review status: no assertion criteria provided. Collection method: clinical testing. Allele origin: germline.
Comment: The NCDN c.213A>T variant is predicted to result in the amino acid substitution p.Lys71Asn. To our knowledge, this variant has not been reported in the literature. This variant is reported in 0.00088% of alleles in individuals of European (Non-Finnish) descent in gnomAD. At this time, the clinical significance of this variant is uncertain due to the absence of conclusive functional and genetic evidence.